The following is an entry in ClinVar:

ClinVar aggregate classification (germline): Uncertain significance (1 of 4 stars; one submission).

Allele frequency attached by ClinVar (database versions not stated): TOPMed below 0.00001.

Submission:

Labcorp Genetics (formerly Invitae), Labcorp
Classification: Uncertain significance. Last evaluated: 2021-08-02. Review status: criteria provided, single submitter. Criteria: Invitae Variant Classification Sherloc (09022015). Collection method: clinical testing. Allele origin: germline.
Comment: In summary, the available evidence is currently insufficient to determine the role of this variant in disease. Therefore, it has been classified as a Variant of Uncertain Significance. Algorithms developed to predict the effect of missense changes on protein structure and function (SIFT, PolyPhen-2, Align-GVGD) all suggest that this variant is likely to be disruptive. This variant has not been reported in the literature in individuals affected with KPNA7-related conditions. This variant is not present in population databases (ExAC no frequency). This sequence change replaces glycine with alanine at codon 313 of the KPNA7 protein (p.Gly313Ala). The glycine residue is highly conserved and there is a small physicochemical difference between glycine and alanine.

NM_001145715.3(KPNA7):c.938G>C (p.Gly313Ala)

Gene: KPNA7 (karyopherin subunit alpha 7; minus strand). Cytogenetic location: 7q22.1.
Variant type: single nucleotide variant.
Coding change: c.938G>C on transcript NM_001145715.3 (MANE Select); coding-DNA position 938, G replaced by C.
Protein change: p.Gly313Ala; replaces glycine 313 with alanine.
Molecular consequence: missense variant.
Genome position (GRCh38, 1-based): chr7:99,185,125, C>G on the plus strand (G>C on the coding strand, the complement: KPNA7 is on the minus strand). VCF-style: chr7-99185125-C-G. GRCh37 (hg19) VCF-style: chr7-98782748-C-G.
Other names: short protein forms G313A.
Identifiers: ClinVar variation 1448601 (VCV001448601.6), dbSNP rs755570389, ClinGen allele CA163745366.